The following is an entry in ClinVar:

ClinVar aggregate classification (germline): Likely pathogenic. Review status: no assertion criteria provided (0 of 4 stars). 2 submissions from 2 submitters: Likely pathogenic (1). 1 of the submissions does not count toward it. Last evaluated 2020-11-01.

Conditions:
von Willebrand disease type 3 (VWD3). Also called: Type 3 Von Willebrand's disease; Type 3 VWD; Von Willebrand disease, severe form; V WD3; VON WILLEBRAND DISEASE, TYPE III. Identifiers: Orphanet 166096, MedGen C1264041, MONDO:0010191, OMIM 277480.

Submissions (2):

Angelo Bianchi Bonomi Hemophilia and Thrombosis Center, Fondazione IRCCS Ca Granda Ospedale Maggiore Policlinico
Classification: Likely pathogenic for von Willebrand disease type 3. Last evaluated: 2020-11-01. Review status: no assertion criteria provided. Collection method: clinical testing. Allele origin: germline. Affected: yes. Study: Type 3 Von Willebrand International Registries Inhibitor Prospective Study (3WINTERS-IPS).
Comment: ClinGen Pathogenicity Calculator

Academic Unit of Haematology, University of Sheffield
No classification provided. Review status: no classification provided. Collection method: not provided. Allele origin: not provided. Not counted in ClinVar's aggregate classification.

NM_000552.5(VWF):c.823T>A (p.Cys275Ser)

Gene: VWF (von Willebrand factor; minus strand). Cytogenetic location: 12p13.31.
Variant type: single nucleotide variant.
Coding change: c.823T>A on transcript NM_000552.5 (MANE Select); coding-DNA position 823, T replaced by A.
Protein change: p.Cys275Ser; replaces cysteine 275 with serine.
Molecular consequence: missense variant.
Genome position (GRCh38, 1-based): chr12:6,075,386, A>T on the plus strand (T>A on the coding strand, the complement: VWF is on the minus strand). VCF-style: chr12-6075386-A-T. GRCh37 (hg19) VCF-style: chr12-6184552-A-T.
Other names: short protein forms C275S.
Identifiers: ClinVar variation 100496 (VCV000100496.4), dbSNP rs61753998, ClinGen allele CA228834.